The following is an entry in ClinVar:

ClinVar aggregate classification (germline): Uncertain significance (0 of 4 stars; one submission).

Conditions:
ALPK1-related disorder. Also called: ALPK1-related condition.

Submission:

PreventionGenetics, part of Exact Sciences
Classification: Uncertain significance for ALPK1-related condition. Last evaluated: 2024-06-19. Review status: no assertion criteria provided. Collection method: clinical testing. Allele origin: germline.
Comment: The ALPK1 c.1570G>A variant is predicted to result in the amino acid substitution p.Gly524Ser. To our knowledge, this variant has not been reported in the literature. This variant is reported in 0.00088% of alleles in individuals of European (Non-Finnish) descent in gnomAD. At this time, the clinical significance of this variant is uncertain due to the absence of conclusive functional and genetic evidence.

NM_025144.4(ALPK1):c.1570G>A (p.Gly524Ser)

Gene: ALPK1 (alpha kinase 1; plus strand). Cytogenetic location: 4q25.
Variant type: single nucleotide variant.
Coding change: c.1570G>A on transcript NM_025144.4 (MANE Select); coding-DNA position 1570, G replaced by A.
Protein change: p.Gly524Ser; replaces glycine 524 with serine.
Molecular consequence: missense variant.
Genome position (GRCh38, 1-based): chr4:112,431,117, G>A. VCF-style: chr4-112431117-G-A. GRCh37 (hg19) VCF-style: chr4-113352273-G-A.
Other names: c.1570G>A, p.Gly524Ser (NM_001102406.2); c.1336G>A, p.Gly446Ser (NM_001253884.2); short protein forms G446S, G524S.
Identifiers: ClinVar variation 3346015 (VCV003346015.1).